The following is an entry in ClinVar:

NM_001365308.1(BMPER):c.1438T>C (p.Phe480Leu)

Gene: BMPER (BMP binding endothelial regulator; plus strand). Cytogenetic location: 7p14.3.
Variant type: single nucleotide variant.
Coding change: c.1438T>C on transcript NM_001365308.1 (MANE Select); coding-DNA position 1438, T replaced by C.
Protein change: p.Phe480Leu; replaces phenylalanine 480 with leucine.
Molecular consequence: missense variant.
Genome position (GRCh38, 1-based): chr7:34,085,785, T>C. VCF-style: chr7-34085785-T-C. GRCh37 (hg19) VCF-style: chr7-34125397-T-C.
Other names: c.1438T>C, p.Phe480Leu (NM_133468.5); c.1438T>C (NM_133468.3); short protein forms F480L.
Identifiers: ClinVar variation 1402282 (VCV001402282.6), dbSNP rs201677379, ClinGen allele CA4215411.

ClinVar aggregate classification (germline): Uncertain significance. Review status: criteria provided, multiple submitters, no conflicts (2 of 4 stars). 2 submissions from 2 submitters: Uncertain significance (2). Last evaluated 2023-07-26.

Conditions:
Inborn genetic diseases. Identifiers: MedGen C0950123, MeSH D030342.

Allele frequency attached by ClinVar (database versions not stated): gnomAD 0.00001; gnomAD exomes 0.00001 and 0.00002; ExAC 0.00002; TOPMed 0.00002.
gnomAD v4.1: 19 of 1,614,066 alleles (0.0012%); highest among the groups gnomAD compares: Admixed American, 0.0033%; no homozygotes.

Submissions (2):

Ambry Genetics
Classification: Uncertain significance for Inborn genetic diseases. Last evaluated: 2023-07-26. Review status: criteria provided, single submitter. Criteria: Ambry Variant Classification Scheme 2023. Collection method: clinical testing. Allele origin: germline.

Labcorp Genetics (formerly Invitae), Labcorp
Classification: Uncertain significance. Last evaluated: 2022-07-19. Review status: criteria provided, single submitter. Criteria: Invitae Variant Classification Sherloc (09022015). Collection method: clinical testing. Allele origin: germline.
Comment: This sequence change replaces phenylalanine, which is neutral and non-polar, with leucine, which is neutral and non-polar, at codon 480 of the BMPER protein (p.Phe480Leu). This variant is present in population databases (rs201677379, gnomAD 0.003%). This variant has not been reported in the literature in individuals affected with BMPER-related conditions. ClinVar contains an entry for this variant (Variation ID: 1402282). Algorithms developed to predict the effect of missense changes on protein structure and function are either unavailable or do not agree on the potential impact of this missense change (SIFT: "Deleterious"; PolyPhen-2: "Possibly Damaging"; Align-GVGD: "Class C15"). In summary, the available evidence is currently insufficient to determine the role of this variant in disease. Therefore, it has been classified as a Variant of Uncertain Significance.